The following is an entry in ClinVar:

ClinVar aggregate classification (germline): Uncertain significance (1 of 4 stars; one submission).

Submission:

Labcorp Genetics (formerly Invitae), Labcorp
Classification: Uncertain significance. Last evaluated: 2024-05-20. Review status: criteria provided, single submitter. Criteria: Invitae Variant Classification Sherloc (09022015). Collection method: clinical testing. Allele origin: germline.
Comment: This sequence change replaces proline, which is neutral and non-polar, with arginine, which is basic and polar, at codon 1873 of the COL7A1 protein (p.Pro1873Arg). This variant is not present in population databases (gnomAD no frequency). This variant has not been reported in the literature in individuals affected with COL7A1-related conditions. ClinVar contains an entry for this variant (Variation ID: 1415698). Advanced modeling of protein sequence and biophysical properties (such as structural, functional, and spatial information, amino acid conservation, physicochemical variation, residue mobility, and thermodynamic stability) performed at Invitae indicates that this missense variant is not expected to disrupt COL7A1 protein function with a negative predictive value of 95%. In summary, the available evidence is currently insufficient to determine the role of this variant in disease. Therefore, it has been classified as a Variant of Uncertain Significance.

NM_000094.4(COL7A1):c.5618C>G (p.Pro1873Arg)

Gene: COL7A1 (collagen type VII alpha 1 chain; minus strand). Cytogenetic location: 3p21.31.
Variant type: single nucleotide variant.
Coding change: c.5618C>G on transcript NM_000094.4 (MANE Select); coding-DNA position 5618, C replaced by G.
Protein change: p.Pro1873Arg; replaces proline 1873 with arginine.
Molecular consequence: missense variant.
Genome position (GRCh38, 1-based): chr3:48,576,758, G>C on the plus strand (C>G on the coding strand, the complement: COL7A1 is on the minus strand). VCF-style: chr3-48576758-G-C. GRCh37 (hg19) VCF-style: chr3-48614191-G-C.
Other names: short protein forms P1873R.
Identifiers: ClinVar variation 1415698 (VCV001415698.8), dbSNP rs1363574188, ClinGen allele CA352668447.
Genomic context (GRCh38, chr3:48,576,758, plus strand): 5'-CCTGGGAGGCCTGGAGGCCCCTGGGGTCCAAGGATACCAGGAGCTCCACGCTCACCCTTG[G>C]GGCCATCACGACCCTGTGAAGGATGCAGCCAGCATCAGCACCCTGAGACCTCAGAAAAGA-3'
Protein context (NP_000085.1, residues 1863-1883): GASGREGRDG[Pro1873Arg]KGERGAPGIL